The following is an entry in ClinVar:

ClinVar aggregate classification (germline): Conflicting classifications of pathogenicity. Review status: criteria provided, conflicting classifications (1 of 4 stars). 7 submissions from 7 submitters: Uncertain significance (1); Likely benign (4). 2 of the submissions do not count toward it. Last evaluated 2026-01-28.

Conditions:
VPS13A-related disorder. Also called: VPS13A-related condition.
VPS13A-related neurodegenerative disease. Also called: ACANTHOCYTOSIS WITH NEUROLOGIC DISORDER; Choreoacanthocytosis; Chorea-acanthocytosis; Choreaacanthocytosis; LEVINE-CRITCHLEY SYNDROME; VPS13A Disease. Identifiers: Orphanet 2388, MedGen C0393576, MONDO:0008695, OMIM 200150.

Allele frequency attached by ClinVar (database versions not stated): ESP Exome Variant Server 0.00031; 1000 Genomes Project 0.00040; ExAC 0.00040; gnomAD exomes 0.00041 and 0.00093; gnomAD 0.00046 and 0.00047; 1000 Genomes Project 30x 0.00047; TOPMed 0.00055.
gnomAD v4.1: 1,417 of 1,613,776 alleles (0.088%); highest among the groups gnomAD compares: Non-Finnish European, 0.11%; no homozygotes.

Submissions (7):

Labcorp Genetics (formerly Invitae), Labcorp
Classification: Likely benign. Last evaluated: 2026-01-28. Review status: criteria provided, single submitter. Criteria: Invitae Variant Classification Sherloc (09022015). Collection method: clinical testing. Allele origin: germline.

CeGaT Center for Human Genetics Tuebingen
Classification: Likely benign. Last evaluated: 2025-03-01. Review status: criteria provided, single submitter. Criteria: CeGaT Center For Human Genetics Tuebingen Variant Classification Criteria Version 2. Collection method: clinical testing. Allele origin: germline. Affected: yes. Observed: 1 variant allele.
Comment: VPS13A: BP4, BP7

Blueprint Genetics
Classification: Likely benign. Last evaluated: 2024-11-01. Review status: criteria provided, single submitter. Criteria: ACMG Guidelines, 2015. Collection method: clinical testing. Allele origin: germline.

GeneDx
Classification: Likely benign. Last evaluated: 2021-06-25. Review status: criteria provided, single submitter. Criteria: GeneDx Variant Classification Process June 2021. Collection method: clinical testing. Allele origin: germline. Affected: yes.

Illumina Laboratory Services, Illumina
Classification: Uncertain significance for VPS13A-related neurodegenerative disease. Last evaluated: 2018-01-12. Review status: criteria provided, single submitter. Criteria: ICSL Variant Classification Criteria 13 December 2019. Collection method: clinical testing. Allele origin: germline.

PreventionGenetics, part of Exact Sciences
Classification: Likely benign for VPS13A-related condition. Last evaluated: 2023-07-30. Review status: no assertion criteria provided. Collection method: clinical testing. Allele origin: germline. Not counted in ClinVar's aggregate classification.
Comment: This variant is classified as likely benign based on ACMG/AMP sequence variant interpretation guidelines (Richards et al. 2015 PMID: 25741868, with internal and published modifications).

Natera, Inc.
Classification: Likely benign for Choreaacanthocytosis. Last evaluated: 2020-09-16. Review status: no assertion criteria provided. Collection method: clinical testing. Allele origin: germline. Not counted in ClinVar's aggregate classification.

NM_033305.3(VPS13A):c.7920A>G (p.Gln2640=)

Gene: VPS13A (vacuolar protein sorting 13 homolog A; plus strand). Cytogenetic location: 9q21.2.
Variant type: single nucleotide variant.
Coding change: c.7920A>G on transcript NM_033305.3 (MANE Select); coding-DNA position 7920, A replaced by G.
Protein change: p.Gln2640=; no amino-acid change (glutamine 2640 retained).
Molecular consequence: synonymous variant.
Genome position (GRCh38, 1-based): chr9:77,357,805, A>G. VCF-style: chr9-77357805-A-G. GRCh37 (hg19) VCF-style: chr9-79972721-A-G.
Other names: c.7803A>G, p.Gln2601= (NM_001018037.2); c.7920A>G, p.Gln2640= (NM_001018038.3, NM_015186.4).
Identifiers: ClinVar variation 695930 (VCV000695930.28), dbSNP rs200387635, ClinGen allele CA5093471.